The following is an entry in ClinVar:

NM_000038.6(APC):c.2293G>C (p.Asp765His)

Gene: APC (APC regulator of Wnt signaling pathway; plus strand). Cytogenetic location: 5q22.2.
Variant type: single nucleotide variant.
Coding change: c.2293G>C on transcript NM_000038.6 (MANE Select); coding-DNA position 2293, G replaced by C.
Protein change: p.Asp765His; replaces aspartic acid 765 with histidine.
Molecular consequence: missense variant.
Genome position (GRCh38, 1-based): chr5:112,837,887, G>C. VCF-style: chr5-112837887-G-C. GRCh37 (hg19) VCF-style: chr5-112173584-G-C.
Other names: c.2293G>C, p.Asp765His (NM_001127510.3, NM_001354895.2, NM_001407450.1); c.2239G>C, p.Asp747His (NM_001127511.3); c.2347G>C, p.Asp783His (NM_001354896.2, NM_001407447.1, NM_001407448.1 and 1 more transcripts); c.2323G>C, p.Asp775His (NM_001354897.2); c.2218G>C, p.Asp740His (NM_001354898.2); c.2209G>C, p.Asp737His (NM_001354899.2); c.2170G>C, p.Asp724His (NM_001354900.2); c.2116G>C, p.Asp706His (NM_001354901.2, NM_001407453.1); and 11 more; short protein forms D482H, D636H, D664H, D737H, D758H, D765H, D381H, D706H.
Identifiers: ClinVar variation 1789142 (VCV001789142.8), dbSNP rs2149865563, ClinGen allele CA16026356.

ClinVar aggregate classification (germline): Uncertain significance. Review status: criteria provided, multiple submitters, no conflicts (2 of 4 stars). 3 submissions from 3 submitters: Uncertain significance (3). Last evaluated 2025-10-31.

Conditions:
Hereditary cancer-predisposing syndrome. Also called: Hereditary Cancer Syndrome; Hereditary neoplastic syndrome; Tumor predisposition; Neoplastic Syndromes, Hereditary. Identifiers: Orphanet 140162, MedGen C0027672, MeSH D009386, MONDO:0015356.
Familial adenomatous polyposis 1 (FAP1). Also called: FAMILIAL ADENOMATOUS POLYPOSIS 1, ATTENUATED; POLYPOSIS, ADENOMATOUS INTESTINAL. Identifiers: MedGen C2713442, MONDO:0021056, OMIM 175100. Disease mechanism: loss of function.

Submissions (3):

Ambry Genetics
Classification: Uncertain significance for Hereditary cancer-predisposing syndrome. Last evaluated: 2025-10-31. Review status: criteria provided, single submitter. Criteria: Ambry Variant Classification Scheme 2023. Collection method: clinical testing. Allele origin: germline.
Comment: The p.D765H variant (also known as c.2293G>C), located in coding exon 15 of the APC gene, results from a G to C substitution at nucleotide position 2293. The aspartic acid at codon 765 is replaced by histidine, an amino acid with similar properties. This amino acid position is highly conserved in available vertebrate species. In addition, in silico predictors for this gene do not accurately predict pathogenicity. Missense variants in APC are not a common cause of disease (Spier I et al. Genet Med. 2024 Feb;26(2):100992). Based on the available evidence, the clinical significance of this variant remains unclear.

Color Diagnostics, LLC DBA Color Health
Classification: Uncertain significance for Hereditary cancer-predisposing syndrome. Last evaluated: 2025-09-23. Review status: criteria provided, single submitter. Criteria: ACMG Guidelines, 2015. Collection method: clinical testing. Allele origin: germline.
Comment: This missense variant replaces aspartic acid with histidine at codon 765 of the APC protein. Computational prediction is inconclusive regarding the impact of this variant on protein structure and function. APC is defined as a gene for which primarily truncating variants are known to cause disease (ClinGen HCCP VCEP). To our knowledge, functional studies have not been reported for this variant. This variant has not been reported in individuals affected with APC-related disorders in the literature. This variant has not been identified in the general population by the Genome Aggregation Database (gnomAD). The available evidence is insufficient to determine the role of this variant in disease conclusively. Therefore, this variant is classified as a Variant of Uncertain Significance.

Labcorp Genetics (formerly Invitae), Labcorp
Classification: Uncertain significance for Familial adenomatous polyposis 1. Last evaluated: 2022-06-23. Review status: criteria provided, single submitter. Criteria: Invitae Variant Classification Sherloc (09022015). Collection method: clinical testing. Allele origin: germline.
Comment: This sequence change replaces aspartic acid, which is acidic and polar, with histidine, which is basic and polar, at codon 765 of the APC protein (p.Asp765His). This variant is not present in population databases (gnomAD no frequency). This variant has not been reported in the literature in individuals affected with APC-related conditions. Algorithms developed to predict the effect of missense changes on protein structure and function are either unavailable or do not agree on the potential impact of this missense change (SIFT: "Deleterious"; PolyPhen-2: "Probably Damaging"; Align-GVGD: "Class C0"). In summary, the available evidence is currently insufficient to determine the role of this variant in disease. Therefore, it has been classified as a Variant of Uncertain Significance.